The following is an entry in ClinVar:

ClinVar aggregate classification (germline): Uncertain significance (1 of 4 stars; one submission).

Conditions:
Alagille syndrome due to a JAG1 point mutation. Also called: JAG1-Related Alagille Syndrome; HEPATIC DUCTULAR HYPOPLASIA, SYNDROMATIC; Alagille Syndrome 1. Identifiers: Orphanet 261619, Orphanet 52, MedGen C1956125, MONDO:0016862, OMIM 118450.

Submission:

Labcorp Genetics (formerly Invitae), Labcorp
Classification: Uncertain significance for Alagille syndrome due to a JAG1 point mutation. Last evaluated: 2021-09-08. Review status: criteria provided, single submitter. Criteria: Invitae Variant Classification Sherloc (09022015). Collection method: clinical testing. Allele origin: germline.
Comment: This sequence change replaces serine with arginine at codon 794 of the JAG1 protein (p.Ser794Arg). The serine residue is highly conserved and there is a moderate physicochemical difference between serine and arginine. This variant is not present in population databases (ExAC no frequency). This variant has not been reported in the literature in individuals affected with JAG1-related conditions. Advanced modeling of protein sequence and biophysical properties (such as structural, functional, and spatial information, amino acid conservation, physicochemical variation, residue mobility, and thermodynamic stability) performed at Invitae indicates that this missense variant is not expected to disrupt JAG1 protein function. In summary, the available evidence is currently insufficient to determine the role of this variant in disease. Therefore, it has been classified as a Variant of Uncertain Significance.

NM_000214.3(JAG1):c.2382C>A (p.Ser794Arg)

Gene: JAG1 (jagged canonical Notch ligand 1; minus strand). Cytogenetic location: 20p12.2.
Variant type: single nucleotide variant.
Coding change: c.2382C>A on transcript NM_000214.3 (MANE Select); coding-DNA position 2382, C replaced by A.
Protein change: p.Ser794Arg; replaces serine 794 with arginine.
Molecular consequence: missense variant.
Genome position (GRCh38, 1-based): chr20:10,643,854, G>T on the plus strand (C>A on the coding strand, the complement: JAG1 is on the minus strand). VCF-style: chr20-10643854-G-T. GRCh37 (hg19) VCF-style: chr20-10624502-G-T.
Other names: short protein forms S794R.
Identifiers: ClinVar variation 1477036 (VCV001477036.5), dbSNP rs56225585, ClinGen allele CA408234722.
Genomic context (GRCh38, chr20:10,643,854, plus strand): 5'-CCCAGCAAAACCCGGGGCACATTCGCACCGGTACCAGTTGTCTCCATCCACACAGGTGCC[G>T]CTGTTGTAACTAAGAAAGCAAAGACCACCTTGGTTACCAACCTCCCAGTCCATTACTCTG-3'
Protein context (NP_000205.1, residues 784-804): NDCSPHPCYN[Ser794Arg]GTCVDGDNWY